The following is an entry in ClinVar:

NM_000153.4(GALC):c.1186C>T (p.Arg396Trp)

Gene: GALC (galactosylceramidase; minus strand). Cytogenetic location: 14q31.3.
Variant type: single nucleotide variant.
Coding change: c.1186C>T on transcript NM_000153.4 (MANE Select); coding-DNA position 1186, C replaced by T.
Protein change: p.Arg396Trp; replaces arginine 396 with tryptophan.
Molecular consequence: missense variant.
Genome position (GRCh38, 1-based): chr14:87,950,724, G>A on the plus strand (C>T on the coding strand, the complement: GALC is on the minus strand). VCF-style: chr14-87950724-G-A. GRCh37 (hg19) VCF-style: chr14-88417068-G-A.
Other names: c.1117C>T, p.Arg373Trp (NM_001201401.2); c.1108C>T, p.Arg370Trp (NM_001201402.2); short protein forms R396W, R373W, R370W.
Identifiers: ClinVar variation 456712 (VCV000456712.28), dbSNP rs770485731, ClinGen allele CA7297101.

ClinVar aggregate classification (germline): Pathogenic. Review status: criteria provided, multiple submitters, no conflicts (2 of 4 stars). 11 submissions from 11 submitters: Pathogenic (10). 1 of the submissions does not count toward it. Last evaluated 2025-08-08.

Conditions:
Inborn genetic diseases. Identifiers: MedGen C0950123, MeSH D030342.
Galactosylceramide beta-galactosidase deficiency. Also called: GALACTOCEREBROSIDASE DEFICIENCY; GALC DEFICIENCY; GLOBOID CELL LEUKOENCEPHALOPATHY; Leukodystrophy, Globoid Cell; Krabbe Disease. Identifiers: Orphanet 487, MedGen C0023521, MONDO:0009499, OMIM 245200.

Allele frequency attached by ClinVar (database versions not stated): ExAC 0.00001; gnomAD 0.00003; TOPMed 0.00004.
gnomAD v4.1: 23 of 1,599,058 alleles (0.0014%); highest among the groups gnomAD compares: South Asian, 0.0066%; no homozygotes.

Submissions (11):

Natera, Inc.
Classification: Pathogenic for Galactosylceramide beta-galactosidase deficiency. Last evaluated: 2025-08-08. Review status: criteria provided, single submitter. Criteria: Natera Variant Classification Schema (03/2026). Collection method: clinical testing. Allele origin: germline.
Comment: The c.1186C>T variant in GALC is a missense variant predicted to cause substitution of arginine to tryptophan at amino acid 396. This variant is rare in the general population with a frequency below the threshold expected for the associated phenotype(s). This variant has been observed in one or more individuals affected with the associated recessive disease, as either homozygous or compound heterozygous with a second variant (PMID: 32912261, 23319190, 9338580). Given the available evidence, this variant is classified as Pathogenic.

OLLIN Analises Genomicas, OLLIN
Classification: Pathogenic for Galactosylceramide beta-galactosidase deficiency. Last evaluated: 2025-03-11. Review status: criteria provided, single submitter. Criteria: ACMG Guidelines 2015 PMID 25741868. Collection method: clinical testing. Allele origin: germline. Affected: yes. Observed: 1 variant allele.
Comment: The missense variant (chr14:87950724G>A), located in exon 11 (of 17), is reported in ClinVar (VCV000456712.25), in gnomAD v4.1 non-UKB with an allele frequency of 0.002% (no homozygotes) and in the scientific literature, also in compound heterozygosity, in individuals with Krabbe disease (PMID: 33178108, 32186243, 31240153). Two pathogenic variants altering the same amino acid residue, but with different consequences, have been reported (PMID: 20886637, ClinVar ID: VCV000556049.9). Functional studies suggest that this variant affects protein function (PMID: 21876145, 24297913, 27638593) and in silico analysis predicts that it has a deleterious effect. According to the evidence currently available, this variant has been classified as pathogenic (PS3_M, PS4, PM2_P, PM3, PM5, PP3_M).

Labcorp Genetics (formerly Invitae), Labcorp
Classification: Pathogenic for Galactosylceramide beta-galactosidase deficiency. Last evaluated: 2025-01-06. Review status: criteria provided, single submitter. Criteria: Invitae Variant Classification Sherloc (09022015). Collection method: clinical testing. Allele origin: germline.
Comment: This sequence change replaces arginine, which is basic and polar, with tryptophan, which is neutral and slightly polar, at codon 396 of the GALC protein (p.Arg396Trp). The frequency data for this variant in the population databases is considered unreliable, as metrics indicate poor data quality at this position in the gnomAD database. This missense change has been observed in individual(s) with Krabbe Disease (PMID: 3362311, 9338580, 26795590, 27638592; internal data). This variant is also known as R380W. ClinVar contains an entry for this variant (Variation ID: 456712). Invitae Evidence Modeling of protein sequence and biophysical properties (such as structural, functional, and spatial information, amino acid conservation, physicochemical variation, residue mobility, and thermodynamic stability) indicates that this missense variant is expected to disrupt GALC protein function with a positive predictive value of 95%. Experimental studies have shown that this missense change affects GALC function (PMID: 21876145, 24297913, 27638593). For these reasons, this variant has been classified as Pathogenic.

3billion
Classification: Pathogenic for Galactosylceramide beta-galactosidase deficiency. Last evaluated: 2024-11-19. Review status: criteria provided, single submitter. Criteria: ACMG Guidelines, 2015. Collection method: clinical testing. Allele origin: germline. Affected: yes.
Comment: The variant is observed at an extremely low frequency in the gnomAD v4.1.0 dataset (total allele frequency: 0.001%). Predicted Consequence/Location: Missense variant Functional studies provide moderate evidence of the variant having a damaging effect on the gene or gene product (PMID: 21876145, 24297913, 27638593). In silico tool predictions suggest damaging effect of the variant on gene or gene product [REVEL: 0.91 (>=0.6, sensitivity 0.68 and specificity 0.92); 3Cnet: 0.88 (>=0.6, sensitivity 0.72 and precision 0.9)]. The same nucleotide change resulting in the same amino acid change has been previously reported as pathogenic/likely pathogenic with strong evidence (ClinVar ID: VCV000456712 /PMID: 9338580 /3billion dataset). Different missense changes at the same codon (p.Arg396Gln, p.Arg396Leu) have been reported to be associated with GALC related disorder (PMID: 11151421, 27779215). Therefore, this variant is classified as Pathogenic according to the recommendation of ACMG/AMP guideline.

Dasa
Classification: Pathogenic. Last evaluated: 2024-10-01. Review status: criteria provided, single submitter. Criteria: DASA Assertion Criteria. Collection method: clinical testing. Allele origin: germline.
Comment: NM_000153.4(GALC):c.1186C>T (p.Arg396Trp) is a missense variant that results in the substitution of arginine with tryptophan. This variant results in the same amino acid change as a previously established pathogenic variant. This variant has been observed in affected individuals with related phenotype in a genotype context consistent with recessive disease. Functional evidence supports a deleterious effect on the gene or gene product. Multiple computational predictions support a deleterious effect on the gene or gene product. The variant is present at low frequency in population datasets. Based on the available data, this variant is classified as pathogenic.

GeneDx
Classification: Pathogenic. Last evaluated: 2023-02-23. Review status: criteria provided, single submitter. Criteria: GeneDx Variant Classification Process June 2021. Collection method: clinical testing. Allele origin: germline. Affected: yes.
Comment: Published functional studies demonstrate a damaging effect with reduced GALC activity (Saaverda-Matiz et al., 2016); Not observed at a significant frequency in large population cohorts (gnomAD); Also known as R380W using alternative nomenclature; This variant is associated with the following publications: (PMID: 3362311, 20886637, 23319190, 27638593, 27126738, 21876145, 24297913, 31707742, 32186243, 31240153, 9338580, 26795590, 27638592, 21824559, 33178108, 31589614)

Women's Health and Genetics/Laboratory Corporation of America, LabCorp
Classification: Pathogenic for Galactosylceramide beta-galactosidase deficiency. Last evaluated: 2022-05-13. Review status: criteria provided, single submitter. Criteria: LabCorp Variant Classification Summary - May 2015. Collection method: clinical testing. Allele origin: germline.
Comment: Variant summary: GALC c.1186C>T (p.Arg396Trp) results in a non-conservative amino acid change located in the Glycosyl hydrolase family 59, central domain (IPR035394) of the encoded protein sequence. Five of five in-silico tools predict a damaging effect of the variant on protein function. The variant allele was found at a frequency of 1.6e-05 in 248096 control chromosomes (gnomAD). c.1186C>T has been reported in the literature in multiple individuals affected with Krabbe Disease (e.g. Wenger_1997, Tappino_2010, Orsini_2016, Krieg_2020, Bascou_2020). These data indicate that the variant is very likely to be associated with disease. At least one publication reports experimental evidence evaluating an impact on protein function and showed that this variant causes significant decrease of GALC activity (Saavedra-Martiz_2016). Seven ClinVar submitters have assessed the variant since 2014: 1 classified the variant as likely pathogenic and six pathogenic. Based on the evidence outlined above, the variant was classified as pathogenic.

Revvity Omics, Revvity
Classification: Pathogenic. Last evaluated: 2021-07-20. Review status: criteria provided, single submitter. Criteria: ACMG Guidelines, 2015. Collection method: clinical testing. Allele origin: germline.

Ambry Genetics
Classification: Pathogenic for Inborn genetic diseases. Last evaluated: 2019-10-18. Review status: criteria provided, single submitter. Criteria: Ambry exome assertion method (8-5-2015). Collection method: clinical testing. Allele origin: germline. Affected: yes. Observed: 1 variant allele.

Neuberg Centre For Genomic Medicine, NCGM
Classification: Pathogenic for Galactosylceramide beta-galactosidase deficiency. Review status: criteria provided, single submitter. Criteria: ACMG Guidelines, 2015. Collection method: clinical testing. Allele origin: germline. Inheritance: Autosomal recessive inheritance. Affected: yes.
Comment: The missense variant c.1186C>T (p.Arg396Trp) in GALC gene has been reported in compound heterozygous state in individuals affected with Krabbe disease (Tappino B. et al., 2010). Experimental studies have shown that this missense demonstrated less compactness and reduced number of intramolecular hydrogen bonds indicating loss of protein stability (D TK. et al., 2021). This variant is reported with the allele frequency (0.001%) in the gnomAD and novel in 1000 genome database. It has been submitted to ClinVar as a Pathogenic variant. The amino acid Arginine at position 396 is changed to a Tryptophan changing protein sequence and it might alter its composition and physico-chemical properties. The variant is predicted to be damaging by both SIFT and PolyPhen2. The residue is conserved across species. For these reasons, this variant has been classified as Pathogenic.

Counsyl
Classification: Likely pathogenic for Galactosylceramide beta-galactosidase deficiency. Last evaluated: 2017-05-09. Review status: no assertion criteria provided. Collection method: clinical testing. Allele origin: unknown. Not counted in ClinVar's aggregate classification.

Literature cited by the submitters: PubMed 32912261 (cited by Natera, Inc. and Women's Health and Genetics/Laboratory Corporation of America, LabCorp); PubMed 23319190 (cited by Natera, Inc. and Counsyl); PubMed 9338580 (cited by 6 submitters); PubMed 33178108 (cited by OLLIN Analises Genomicas, OLLIN and Women's Health and Genetics/Laboratory Corporation of America, LabCorp); PubMed 32186243 (cited by OLLIN Analises Genomicas, OLLIN); PubMed 31240153 (cited by OLLIN Analises Genomicas, OLLIN); PubMed 20886637 (cited by 4 submitters); PubMed 21876145 (cited by 3 submitters); PubMed 24297913 (cited by 3 submitters); PubMed 27638593 (cited by 6 submitters); PubMed 3362311 (cited by Labcorp Genetics (formerly Invitae), Labcorp); PubMed 26795590 (cited by 3 submitters); PubMed 27638592 (cited by Labcorp Genetics (formerly Invitae), Labcorp); PubMed 11151421 (cited by 3billion); PubMed 21824559 (cited by Ambry Genetics and Counsyl).